The following is an entry in ClinVar:

NM_001382567.1(STIM1):c.139+5G>C

Gene: STIM1 (stromal interaction molecule 1; plus strand). Cytogenetic location: 11p15.4.
Variant type: single nucleotide variant.
Coding change: c.139+5G>C on transcript NM_001382567.1 (MANE Select); 5 bases into the intron after coding-DNA position 139, G replaced by C.
Molecular consequence: intron variant.
Genome position (GRCh38, 1-based): chr11:3,856,414, G>C. VCF-style: chr11-3856414-G-C. GRCh37 (hg19) VCF-style: chr11-3877644-G-C.
Other names: c.-84+1678G>C (NM_001382578.1, NM_001382575.1, NM_001382574.1); c.-220+1678G>C (NM_001382580.1, NM_001382581.1); c.-84+1760G>C (NM_001382576.1); c.-84+998G>C (NM_001382566.1, NM_001382579.1, NM_001382577.1 and 1 more transcripts); c.139+5G>C (NM_001382568.1, NM_001277962.2, NM_003156.4 and 3 more transcripts); c.135+5G>C (NM_001382569.1); c.-99+5G>C (NM_001382571.1).
Identifiers: ClinVar variation 4885638 (VCV004885638.2).

ClinVar aggregate classification (germline): Uncertain significance (1 of 4 stars; one submission).

Submission:

Dasa
Classification: Uncertain significance. Last evaluated: 2024-09-10. Review status: criteria provided, single submitter. Criteria: DASA Assertion Criteria. Collection method: clinical testing. Allele origin: germline.
Comment: NM_001382567.1(STIM1):c.139+5G>C is a splice-region variant. This variant is absent from population databases. Computational prediction algorithms are consistent with a benign effect. The currently available literature and clinical evidence are not sufficient to establish a definitive association between this variant and the reported condition. Therefore, this variant is classified as a variant of uncertain significance.